The following is an entry in ClinVar:

ClinVar aggregate classification (germline): Conflicting classifications of pathogenicity. Review status: criteria provided, conflicting classifications (1 of 4 stars). 6 submissions from 6 submitters: Uncertain significance (5); Benign (1). Last evaluated 2026-09-21.

Conditions:
Bardet-Biedl syndrome (BBS). Identifiers: Orphanet 110, MedGen C0752166, MONDO:0015229.
Bardet-Biedl syndrome 7 (BBS7). Identifiers: Orphanet 110, MedGen C1859565, MONDO:0014435, OMIM 615984.
BBS7-related disorder. Also called: BBS7-related condition.
Inborn genetic diseases. Identifiers: MedGen C0950123, MeSH D030342.

Allele frequency attached by ClinVar (database versions not stated): gnomAD exomes 0.00019; gnomAD 0.00008 and 0.00009; ExAC 0.00013; TOPMed 0.00018.
gnomAD v4.1: 109 of 1,613,372 alleles (0.0068%); highest among the groups gnomAD compares: Admixed American, 0.12%; no homozygotes.

Submissions (6):

PreventionGenetics, part of Exact Sciences
Classification: Uncertain significance for BBS7-related condition. Last evaluated: 2026-09-21. Review status: criteria provided, single submitter. Criteria: ACMG Guidelines, 2015. Collection method: clinical testing. Allele origin: germline.
Comment: The BBS7 c.839G>A variant is predicted to result in the amino acid substitution p.Arg280Gln. To our knowledge, this variant has not been reported in the literature. This variant is reported in 0.11% of alleles in individuals of Latino descent in gnomAD. Although we suspect that this variant may be benign, at this time, the clinical significance of this variant is uncertain due to the absence of conclusive functional and genetic evidence.

Fulgent Genetics
Classification: Uncertain significance for Bardet-Biedl syndrome 7. Last evaluated: 2024-03-26. Review status: criteria provided, single submitter. Criteria: ACMG Guidelines, 2015. Collection method: clinical testing. Allele origin: germline.

Blueprint Genetics
Classification: Benign. Last evaluated: 2024-03-22. Review status: criteria provided, single submitter. Criteria: ACMG Guidelines, 2015. Collection method: clinical testing. Allele origin: germline.

Ambry Genetics
Classification: Uncertain significance for Inborn genetic diseases. Last evaluated: 2023-12-16. Review status: criteria provided, single submitter. Criteria: Ambry Variant Classification Scheme 2023. Collection method: clinical testing. Allele origin: germline.

Labcorp Genetics (formerly Invitae), Labcorp
Classification: Uncertain significance for Bardet-Biedl syndrome. Last evaluated: 2022-11-01. Review status: criteria provided, single submitter. Criteria: Invitae Variant Classification Sherloc (09022015). Collection method: clinical testing. Allele origin: germline.
Comment: This sequence change replaces arginine, which is basic and polar, with glutamine, which is neutral and polar, at codon 280 of the BBS7 protein (p.Arg280Gln). This variant is present in population databases (rs749970544, gnomAD 0.1%). This variant has not been reported in the literature in individuals affected with BBS7-related conditions. ClinVar contains an entry for this variant (Variation ID: 596496). Advanced modeling of protein sequence and biophysical properties (such as structural, functional, and spatial information, amino acid conservation, physicochemical variation, residue mobility, and thermodynamic stability) performed at Invitae indicates that this missense variant is not expected to disrupt BBS7 protein function. In summary, the available evidence is currently insufficient to determine the role of this variant in disease. Therefore, it has been classified as a Variant of Uncertain Significance.

Eurofins Ntd Llc (ga)
Classification: Uncertain significance. Last evaluated: 2018-04-03. Review status: criteria provided, single submitter. Criteria: EGL ClinVar v180209 classification definitions. Collection method: clinical testing. Allele origin: germline. Observed: 1 variant allele, 1 heterozygote.

NM_176824.3(BBS7):c.839G>A (p.Arg280Gln)

Gene: BBS7 (Bardet-Biedl syndrome 7; minus strand). Cytogenetic location: 4q27.
Variant type: single nucleotide variant.
Coding change: c.839G>A on transcript NM_176824.3 (MANE Select); coding-DNA position 839, G replaced by A.
Protein change: p.Arg280Gln; replaces arginine 280 with glutamine.
Molecular consequence: missense variant.
Genome position (GRCh38, 1-based): chr4:121,852,966, C>T on the plus strand (G>A on the coding strand, the complement: BBS7 is on the minus strand). VCF-style: chr4-121852966-C-T. GRCh37 (hg19) VCF-style: chr4-122774121-C-T.
Other names: c.839G>A, p.Arg280Gln (NM_018190.4); c.839G>A (NM_176824.2); short protein forms R280Q.
Identifiers: ClinVar variation 596496 (VCV000596496.14), dbSNP rs749970544, ClinGen allele CA3064400.
Genomic context (GRCh38, chr4:121,852,966, plus strand): 5'-TATAATAATTTGACAAATAATAAGCATATAGTCTTTTTTAATGAACTTACCTGATCAAAT[C>T]GTAGAACAGGTTCATTTGCATTATCAAAACTATACACTTCCACCATTCCGTCATCTCTCC-3'
Protein context (NP_789794.1, residues 270-290): SFDNANEPVL[Arg280Gln]FDQMLSESVT